The following is an entry in ClinVar:

NM_000038.6(APC):c.8232T>A (p.Asn2744Lys)

Gene: APC (APC regulator of Wnt signaling pathway; plus strand). Cytogenetic location: 5q22.2.
Variant type: single nucleotide variant.
Coding change: c.8232T>A on transcript NM_000038.6 (MANE Select); coding-DNA position 8232, T replaced by A.
Protein change: p.Asn2744Lys; replaces asparagine 2744 with lysine.
Molecular consequence: missense variant. On other transcripts: non-coding transcript variant (2).
Genome position (GRCh38, 1-based): chr5:112,843,826, T>A. VCF-style: chr5-112843826-T-A. GRCh37 (hg19) VCF-style: chr5-112179523-T-A.
Other names: c.8232T>A, p.Asn2744Lys (NM_001127510.3, NM_001354895.2, NM_001407450.1); c.8178T>A, p.Asn2726Lys (NM_001127511.3); c.8286T>A, p.Asn2762Lys (NM_001354896.2, NM_001407447.1, NM_001407448.1 and 1 more transcripts); c.8262T>A, p.Asn2754Lys (NM_001354897.2); c.8157T>A, p.Asn2719Lys (NM_001354898.2); c.8148T>A, p.Asn2716Lys (NM_001354899.2); c.8109T>A, p.Asn2703Lys (NM_001354900.2); c.8055T>A, p.Asn2685Lys (NM_001354901.2, NM_001407453.1); and 11 more; short protein forms N2615K, N2661K, N2716K, N2744K, N2643K, N2726K, N2734K, N2754K.
Identifiers: ClinVar variation 2827950 (VCV002827950.3), dbSNP rs2533853709, ClinGen allele CA16039202.

ClinVar aggregate classification (germline): Uncertain significance (1 of 4 stars; one submission).

Conditions:
Familial adenomatous polyposis 1 (FAP1). Also called: POLYPOSIS, ADENOMATOUS INTESTINAL; FAMILIAL ADENOMATOUS POLYPOSIS 1, ATTENUATED. Identifiers: MedGen C2713442, MONDO:0021056, OMIM 175100. Disease mechanism: loss of function.

Submission:

Labcorp Genetics (formerly Invitae), Labcorp
Classification: Uncertain significance for Familial adenomatous polyposis 1. Last evaluated: 2023-01-12. Review status: criteria provided, single submitter. Criteria: Invitae Variant Classification Sherloc (09022015). Collection method: clinical testing. Allele origin: germline.
Comment: This variant is not present in population databases (gnomAD no frequency). This sequence change replaces asparagine, which is neutral and polar, with lysine, which is basic and polar, at codon 2744 of the APC protein (p.Asn2744Lys). This variant has not been reported in the literature in individuals affected with APC-related conditions. Advanced modeling of protein sequence and biophysical properties (such as structural, functional, and spatial information, amino acid conservation, physicochemical variation, residue mobility, and thermodynamic stability) performed at Invitae indicates that this missense variant is not expected to disrupt APC protein function. In summary, the available evidence is currently insufficient to determine the role of this variant in disease. Therefore, it has been classified as a Variant of Uncertain Significance.